The following is an entry in ClinVar:

NM_000359.3(TGM1):c.961G>T (p.Val321Phe)

Gene: TGM1 (transglutaminase 1; minus strand). Cytogenetic location: 14q12.
Variant type: single nucleotide variant.
Coding change: c.961G>T on transcript NM_000359.3 (MANE Select); coding-DNA position 961, G replaced by T.
Protein change: p.Val321Phe; replaces valine 321 with phenylalanine.
Molecular consequence: missense variant.
Genome position (GRCh38, 1-based): chr14:24,259,727, C>A on the plus strand (G>T on the coding strand, the complement: TGM1 is on the minus strand). VCF-style: chr14-24259727-C-A. GRCh37 (hg19) VCF-style: chr14-24728933-C-A.
Other names: short protein forms V321F.
Identifiers: ClinVar variation 2762195 (VCV002762195.3), dbSNP rs2502503125, ClinGen allele CA389267845.

ClinVar aggregate classification (germline): Likely pathogenic (1 of 4 stars; one submission).

Submission:

Labcorp Genetics (formerly Invitae), Labcorp
Classification: Likely pathogenic. Last evaluated: 2023-06-03. Review status: criteria provided, single submitter. Criteria: Invitae Variant Classification Sherloc (09022015). Collection method: clinical testing. Allele origin: germline.
Comment: This sequence change replaces valine, which is neutral and non-polar, with phenylalanine, which is neutral and non-polar, at codon 321 of the TGM1 protein (p.Val321Phe). In summary, the currently available evidence indicates that the variant is pathogenic, but additional data are needed to prove that conclusively. Therefore, this variant has been classified as Likely Pathogenic. Advanced modeling of protein sequence and biophysical properties (such as structural, functional, and spatial information, amino acid conservation, physicochemical variation, residue mobility, and thermodynamic stability) performed at Invitae indicates that this missense variant is expected to disrupt TGM1 protein function. This missense change has been observed in individual(s) with TGM1-related conditions (Invitae). In at least one individual the data is consistent with being in trans (on the opposite chromosome) from a pathogenic variant. This variant is not present in population databases (gnomAD no frequency).